The following is an entry in ClinVar:

NM_003106.4(SOX2):c.45G>A (p.Gln15=)

Genes: SOX2 (SRY-box transcription factor 2; plus strand), SOX2-OT (SOX2 overlapping transcript; plus strand), LOC108281177 (SOX2 5' regulatory region; plus strand). Cytogenetic location: 3q26.33.
Variant type: single nucleotide variant.
Coding change: c.45G>A on transcript NM_003106.4 (MANE Select); coding-DNA position 45, G replaced by A.
Protein change: p.Gln15=; no amino-acid change (glutamine 15 retained).
Molecular consequence: synonymous variant.
Genome position (GRCh38, 1-based): chr3:181,712,405, G>A. VCF-style: chr3-181712405-G-A. GRCh37 (hg19) VCF-style: chr3-181430193-G-A.
Other names: p.Gln15=.
Identifiers: ClinVar variation 467823 (VCV000467823.17), dbSNP rs776333710, ClinGen allele CA2717227.
Genomic context (GRCh38, chr3:181,712,405, plus strand): 5'-CGCGCACAGCGCCCGCATGTACAACATGATGGAGACGGAGCTGAAGCCGCCGGGCCCGCA[G>A]CAAACTTCGGGGGGCGGCGGCGGCAACTCCACCGCGGCGGCGGCCGGCGGCAACCAGAAA-3'
Protein context (NP_003097.1, residues 5-25): METELKPPGP[Gln15=]QTSGGGGGNS

ClinVar aggregate classification (germline): Benign/Likely benign. Review status: criteria provided, multiple submitters, no conflicts (2 of 4 stars). 5 submissions from 5 submitters: Benign (1); Likely benign (4). Last evaluated 2026-06-01.

Conditions:
Anophthalmia/microphthalmia-esophageal atresia syndrome (MCOPS3). Also called: SOX2 Disorder; MICROPHTHALMIA AND ESOPHAGEAL ATRESIA SYNDROME; AEG SYNDROME. Identifiers: Orphanet 77298, MedGen C1859773, MONDO:0008799, OMIM 206900.

Allele frequency attached by ClinVar (database versions not stated): gnomAD 0.00002; gnomAD exomes 0.00003 and 0.00019; TOPMed 0.00007; ExAC 0.00029.
gnomAD v4.1: 49 of 1,588,278 alleles (0.0031%); highest among the groups gnomAD compares: Admixed American, 0.086%; no homozygotes.

Submissions (5):

CeGaT Center for Human Genetics Tuebingen
Classification: Likely benign. Last evaluated: 2026-06-01. Review status: criteria provided, single submitter. Criteria: CeGaT Center For Human Genetics Tuebingen Variant Classification Criteria Version 2. Collection method: clinical testing. Allele origin: germline. Affected: yes. Observed: 1 variant allele.
Comment: SOX2: BP4, BP7

Labcorp Genetics (formerly Invitae), Labcorp
Classification: Likely benign for Anophthalmia/microphthalmia-esophageal atresia syndrome. Last evaluated: 2026-01-19. Review status: criteria provided, single submitter. Criteria: Invitae Variant Classification Sherloc (09022015). Collection method: clinical testing. Allele origin: germline.

Mayo Clinic Laboratories, Mayo Clinic
Classification: Benign. Last evaluated: 2024-07-22. Review status: criteria provided, single submitter. Criteria: ACMG Guidelines, 2015. Collection method: clinical testing. Allele origin: germline. Observed: 2 variant alleles.
Comment: BS1, BS2

Blueprint Genetics
Classification: Likely benign. Last evaluated: 2021-01-19. Review status: criteria provided, single submitter. Criteria: ACMG Guidelines, 2015. Collection method: clinical testing. Allele origin: germline.

GeneDx
Classification: Likely benign. Last evaluated: 2020-03-06. Review status: criteria provided, single submitter. Criteria: GeneDx Variant Classification Process June 2021. Collection method: clinical testing. Allele origin: germline. Affected: yes.